The following is an entry in ClinVar:

ClinVar aggregate classification (germline): Uncertain significance (1 of 4 stars; one submission).

Conditions:
Danon disease. Also called: PSEUDOGLYCOGENOSIS II; GSD IIb; LYSOSOMAL GLYCOGEN STORAGE DISEASE WITHOUT ACID MALTASE DEFICIENCY; Glycogen Storage Disease Type IIb; ANTOPOL DISEASE. Identifiers: Orphanet 34587, MedGen C0878677, MONDO:0010281, OMIM 300257.

Allele frequency attached by ClinVar (database versions not stated): gnomAD exomes below 0.00001; ExAC 0.00002; gnomAD 0.00003; TOPMed 0.00003; ESP Exome Variant Server 0.00009.

Submission:

Labcorp Genetics (formerly Invitae), Labcorp
Classification: Uncertain significance for Danon disease. Last evaluated: 2025-10-29. Review status: criteria provided, single submitter. Criteria: Invitae Variant Classification Sherloc (09022015). Collection method: clinical testing. Allele origin: germline.
Comment: This sequence change replaces phenylalanine, which is neutral and non-polar, with leucine, which is neutral and non-polar, at codon 284 of the LAMP2 protein (p.Phe284Leu). This variant is present in population databases (rs374690629, gnomAD 0.02%). This variant has not been reported in the literature in individuals affected with LAMP2-related conditions. ClinVar contains an entry for this variant (Variation ID: 2899818). Invitae Evidence Modeling of protein sequence and biophysical properties (such as structural, functional, and spatial information, amino acid conservation, physicochemical variation, residue mobility, and thermodynamic stability) indicates that this missense variant is not expected to disrupt LAMP2 protein function with a negative predictive value of 80%. In summary, the available evidence is currently insufficient to determine the role of this variant in disease. Therefore, it has been classified as a Variant of Uncertain Significance.

NM_002294.3(LAMP2):c.850T>C (p.Phe284Leu)

Gene: LAMP2 (lysosome associated membrane protein 2; minus strand). Cytogenetic location: Xq24.
Variant type: single nucleotide variant.
Coding change: c.850T>C on transcript NM_002294.3 (MANE Select); coding-DNA position 850, T replaced by C.
Protein change: p.Phe284Leu; replaces phenylalanine 284 with leucine.
Molecular consequence: missense variant.
Genome position (GRCh38, 1-based): chrX:120,446,319, A>G on the plus strand (T>C on the coding strand, the complement: LAMP2 is on the minus strand). VCF-style: chrX-120446319-A-G. GRCh37 (hg19) VCF-style: chrX-119580174-A-G.
Other names: c.850T>C, p.Phe284Leu (NM_001122606.1, NM_013995.2); short protein forms F284L.
Identifiers: ClinVar variation 2899818 (VCV002899818.3), dbSNP rs374690629, ClinGen allele CA10505249.
Genomic context (GRCh38, chrX:120,446,319, plus strand): 5'-GTGTTTCTAAGAGAATGAACCTAACTTTAAAAAATCTGTTACTCACCACAGCAAAGACAA[A>G]GTCTAGATACTTAATGGTGCTGCTATTGAGTCTAAGTAGAGCAGTGTGAGAACGGCAGCT-3'
Protein context (NP_002285.1, residues 274-294): LNSSTIKYLD[Phe284Leu]VFAVKNENRF